The following is an entry in ClinVar:

NM_005676.5(RBM10):c.1248+6C>T

Gene: RBM10 (RNA binding motif protein 10; plus strand). Cytogenetic location: Xp11.3.
Variant type: single nucleotide variant.
Coding change: c.1248+6C>T on transcript NM_005676.5 (MANE Select); 6 bases into the intron after coding-DNA position 1248, C replaced by T.
Molecular consequence: intron variant.
Genome position (GRCh38, 1-based): chrX:47,180,512, C>T. VCF-style: chrX-47180512-C-T. GRCh37 (hg19) VCF-style: chrX-47039911-C-T.
Other names: c.1443+6C>T (NM_001204468.2); c.1245+6C>T (NM_001204467.2); c.1017+6C>T (NM_001204466.2); c.1014+6C>T (NM_152856.3).
Identifiers: ClinVar variation 2660400 (VCV002660400.24), dbSNP rs369520469, ClinGen allele CA10395243.
Genomic context (GRCh38, chrX:47,180,512, plus strand): 5'-TGCTGCCTCTGTGGCCAGCACTGCCATTGCTGCGGCCCAGTGGGCCATCTCACAGGTACT[C>T]AGACCCCTTGTGCCTCCCAGCGTCCTGAGACCTGGGCTTTCTCAACCCTCCTGCACCCTC-3'

ClinVar aggregate classification (germline): Likely benign (1 of 4 stars; one submission).

Allele frequency attached by ClinVar (database versions not stated): ExAC 0.00001; ESP Exome Variant Server 0.00009; gnomAD exomes 0.00003; TOPMed 0.00003; gnomAD 0.00006.
gnomAD v4.1: 35 of 1,207,983 alleles (0.0029%); highest among the groups gnomAD compares: South Asian, 0.0071%; no homozygotes.

Submission:

CeGaT Center for Human Genetics Tuebingen
Classification: Likely benign. Last evaluated: 2023-10-01. Review status: criteria provided, single submitter. Criteria: CeGaT Center For Human Genetics Tuebingen Variant Classification Criteria Version 2. Collection method: clinical testing. Allele origin: germline. Affected: yes. Observed: 1 variant allele.
Comment: RBM10: BP4